The following is an entry in ClinVar:

NM_000297.4(PKD2):c.876C>G (p.Tyr292Ter)

Gene: PKD2 (polycystin 2, transient receptor potential cation channel; plus strand). Cytogenetic location: 4q22.1.
Variant type: single nucleotide variant.
Coding change: c.876C>G on transcript NM_000297.4 (MANE Select); coding-DNA position 876, C replaced by G.
Protein change: p.Tyr292Ter; replaces tyrosine 292 with a stop codon.
Molecular consequence: nonsense. On other transcripts: non-coding transcript variant (1).
Genome position (GRCh38, 1-based): chr4:88,038,283, C>G. VCF-style: chr4-88038283-C-G. GRCh37 (hg19) VCF-style: chr4-88959435-C-G.
Other names: short protein forms Y292*.
Identifiers: ClinVar variation 3338794 (VCV003338794.3).

ClinVar aggregate classification (germline): Pathogenic/Likely pathogenic. Review status: criteria provided, multiple submitters, no conflicts (2 of 4 stars). 3 submissions from 3 submitters: Pathogenic (2); Likely pathogenic (1). Last evaluated 2026-05-04.

Conditions:
Polycystic kidney disease 2 (PKD2). Also called: Polycystic Kidney Disease 2, Autosomal Dominant; POLYCYSTIC KIDNEY DISEASE, ADULT, TYPE II; POLYCYSTIC KIDNEY DISEASE 2 WITH OR WITHOUT POLYCYSTIC LIVER DISEASE. Identifiers: MedGen C2751306, MONDO:0013131, OMIM 613095.

Submissions (3):

Victorian Clinical Genetics Services, Murdoch Childrens Research Institute
Classification: Pathogenic for Polycystic kidney disease 2. Last evaluated: 2026-05-04. Review status: criteria provided, single submitter. Criteria: ACMG Guidelines, 2015. Collection method: clinical testing. Allele origin: germline. Affected: yes.
Comment: This variant is classified as Pathogenic. Evidence in support of pathogenic classification: Variant is predicted to cause nonsense-mediated decay (NMD) and loss of protein (premature termination codon is located at least 54 nucleotides upstream of the final exon-exon junction); Variant is absent from gnomAD (v2, v3 and v4); This variant has limited previous evidence of pathogenicity in unrelated individual(s). This variant has been classified as likely pathogenic/pathogenic by clinical laboratories in ClinVar; Other NMD-predicted variant(s) comparable to the one identified in this case have very strong previous evidence for pathogenicity (DECIPHER). Additional information: This variant is heterozygous; This gene is associated with autosomal dominant disease; Loss of function is a known mechanism of disease in this gene and is associated with polycystic kidney disease 2 (MIM#613095); Inheritance information for this variant is not currently available in this individual.

Fulgent Genetics
Classification: Pathogenic for Polycystic kidney disease 2. Last evaluated: 2024-01-06. Review status: criteria provided, single submitter. Criteria: ACMG Guidelines, 2015. Collection method: clinical testing. Allele origin: germline.

GeneDx
Classification: Likely pathogenic. Last evaluated: 2023-08-29. Review status: criteria provided, single submitter. Criteria: GeneDx Variant Classification Process June 2021. Collection method: clinical testing. Allele origin: germline. Affected: yes.
Comment: Reported with a second variant (phase unknown) in a patient with polycystic kidney disease in published literature (Rossetti et al., 2012); Nonsense variant predicted to result in protein truncation or nonsense mediated decay in a gene for which loss of function is a known mechanism of disease; Not observed at significant frequency in large population cohorts (gnomAD); This variant is associated with the following publications: (PMID: 22383692)